The following is an entry in ClinVar:

NM_000245.4(MET):c.2752A>G (p.Thr918Ala)

Gene: MET (MET proto-oncogene, receptor tyrosine kinase; plus strand). Cytogenetic location: 7q31.2.
Variant type: single nucleotide variant.
Coding change: c.2752A>G on transcript NM_000245.4 (MANE Select); coding-DNA position 2752, A replaced by G.
Protein change: p.Thr918Ala; replaces threonine 918 with alanine.
Molecular consequence: missense variant.
Genome position (GRCh38, 1-based): chr7:116,771,519, A>G. VCF-style: chr7-116771519-A-G. GRCh37 (hg19) VCF-style: chr7-116411573-A-G.
Other names: c.2806A>G, p.Thr936Ala (NM_001127500.3); c.1462A>G, p.Thr488Ala (NM_001324402.2); short protein forms T488A, T936A, T918A.
Identifiers: ClinVar variation 3395147 (VCV003395147.3).

ClinVar aggregate classification (germline): Uncertain significance. Review status: criteria provided, multiple submitters, no conflicts (2 of 4 stars). 2 submissions from 2 submitters: Uncertain significance (2). Last evaluated 2026-01-20.

Conditions:
Renal cell carcinoma. Identifiers: Orphanet 217071, MedGen C0007134, MeSH D002292, MONDO:0005086, HP:0005584.
Hereditary cancer-predisposing syndrome. Also called: Hereditary Cancer Syndrome; Tumor predisposition; Hereditary neoplastic syndrome; Neoplastic Syndromes, Hereditary. Identifiers: Orphanet 140162, MedGen C0027672, MeSH D009386, MONDO:0015356.

gnomAD v4.1: 3 of 1,613,850 alleles (0.00019%); highest among the groups gnomAD compares: East Asian, 0.0022%; no homozygotes.

Submissions (2):

Labcorp Genetics (formerly Invitae), Labcorp
Classification: Uncertain significance for Renal cell carcinoma. Last evaluated: 2026-01-20. Review status: criteria provided, single submitter. Criteria: Invitae Variant Classification Sherloc (09022015). Collection method: clinical testing. Allele origin: germline.
Comment: This sequence change replaces threonine, which is neutral and polar, with alanine, which is neutral and non-polar, at codon 936 of the MET protein (p.Thr936Ala). This variant is present in population databases (rs746865243, gnomAD 0.0009%). This variant has not been reported in the literature in individuals affected with MET-related conditions. ClinVar contains an entry for this variant (Variation ID: 3395147). An algorithm developed to predict the effect of missense changes on protein structure and function (PolyPhen-2) suggests that this variant is likely to be tolerated. In summary, the available evidence is currently insufficient to determine the role of this variant in disease. Therefore, it has been classified as a Variant of Uncertain Significance.

Ambry Genetics
Classification: Uncertain significance for Hereditary cancer-predisposing syndrome. Last evaluated: 2024-09-04. Review status: criteria provided, single submitter. Criteria: Ambry Variant Classification Scheme 2023. Collection method: clinical testing. Allele origin: germline.
Comment: The p.T936A variant (also known as c.2806A>G), located in coding exon 12 of the MET gene, results from an A to G substitution at nucleotide position 2806. The threonine at codon 936 is replaced by alanine, an amino acid with similar properties. This amino acid position is conserved. In addition, this alteration is predicted to be tolerated by in silico analysis. Based on the available evidence, the clinical significance of this variant remains unclear.